The following is an entry in ClinVar:

ClinVar aggregate classification (germline): Likely pathogenic. Review status: criteria provided, multiple submitters, no conflicts (2 of 4 stars). 2 submissions from 2 submitters: Likely pathogenic (2). Last evaluated 2024-11-28.

Allele frequency attached by ClinVar (database versions not stated): gnomAD exomes 0.00002 and 0.00003; ExAC 0.00002; gnomAD 0.00003 and 0.00002; TOPMed 0.00002.

Submissions (2):

Dasa
Classification: Likely pathogenic. Last evaluated: 2024-11-28. Review status: criteria provided, single submitter. Criteria: DASA Assertion Criteria. Collection method: clinical testing. Allele origin: germline.
Comment: NM_004970.3(IGFALS):c.1291del (p.Trp431Glyfs*11) is a frameshift variant in IGFALS predicted to alter the reading frame and introduce a premature termination codon and is predicted to result in an absent or altered protein product. Loss of function is an established disease mechanism for IGFALS-associated disorders. This variant has been observed in affected individuals with IGFALS-related disorders. Also, this variant is rare in population databases. Based on the currently available evidence, this variant is classified as likely pathogenic.

GeneDx
Classification: Likely pathogenic. Last evaluated: 2022-03-09. Review status: criteria provided, single submitter. Criteria: GeneDx Variant Classification Process June 2021. Collection method: clinical testing. Allele origin: germline. Affected: yes.
Comment: Frameshift variant in the C-terminus predicted to result in protein truncation, as the last 175 amino acids are lost and replaced with 10 incorrect amino acids, and other loss-of-function variants have been reported downstream in HGMD; This variant is associated with the following publications: (PMID: 25411237, 24819402, 31589614)

NM_004970.3(IGFALS):c.1291del (p.Trp431fs)

Gene: IGFALS (insulin like growth factor binding protein acid labile subunit; minus strand). Cytogenetic location: 16p13.3.
Variant type: Deletion.
Coding change: c.1291del on transcript NM_004970.3 (MANE Select); coding-DNA position 1291, one base deleted (T; older notation c.1291delT).
Protein change: p.Trp431fs; shifts the reading frame from tryptophan 431.
Molecular consequence: frameshift variant. On other transcripts: non-coding transcript variant (1).
Genome position (GRCh38, 1-based): chr16:1,791,127, A deleted on the plus strand (T on the coding strand, the reverse complement: IGFALS is on the minus strand). VCF-style (leftmost placement, unchanged base first): chr16-1791126-CA-C. GRCh37 (hg19) VCF-style: chr16-1841127-CA-C.
Other names: c.1291delT (NM_004970.2); c.1405del, p.Trp469fs (NM_001146006.2); short protein forms W469fs, W431fs.
Identifiers: ClinVar variation 280144 (VCV000280144.7), dbSNP rs755775132, ClinGen allele CA7820338.